The following is an entry in ClinVar:

NM_001083962.2(TCF4):c.1495C>G (p.Pro499Ala)

Gene: TCF4 (transcription factor 4; minus strand). Cytogenetic location: 18q21.2.
Variant type: single nucleotide variant.
Coding change: c.1495C>G on transcript NM_001083962.2 (MANE Select); coding-DNA position 1495, C replaced by G.
Protein change: p.Pro499Ala; replaces proline 499 with alanine.
Molecular consequence: missense variant.
Genome position (GRCh38, 1-based): chr18:55,232,663, G>C on the plus strand (C>G on the coding strand, the complement: TCF4 is on the minus strand). VCF-style: chr18-55232663-G-C. GRCh37 (hg19) VCF-style: chr18-52899894-G-C.
Other names: c.1420C>G, p.Pro474Ala (NM_001369577.1, NM_001369578.1, NM_001369579.1 and 6 more transcripts); c.1423C>G, p.Pro475Ala (NM_001369582.1, NM_001369575.1, NM_001348218.2 and 5 more transcripts); c.1492C>G, p.Pro498Ala (NM_001369573.1, NM_001369574.1, NM_001369569.1 and 2 more transcripts); c.1495C>G, p.Pro499Ala (NM_001369567.1, NM_001369568.1, NM_001369571.1 and 2 more transcripts); c.1426C>G, p.Pro476Ala (NM_001369586.1); c.1282C>G, p.Pro428Ala (NM_001306208.1, NM_001243232.1); c.1105C>G, p.Pro369Ala (NM_001330605.3, NM_001348212.2, NM_001348213.2 and 1 more transcripts); c.1369C>G, p.Pro457Ala (NM_001348211.2, NM_001243231.2); and 6 more; short protein forms P283A, P338A, P457A, P601A, P369A, P474A, P476A, P498A.
Identifiers: ClinVar variation 3688662 (VCV003688662.2).

ClinVar aggregate classification (germline): Uncertain significance (1 of 4 stars; one submission).

Conditions:
Pitt-Hopkins syndrome (PTHS). Also called: ENCEPHALOPATHY, SEVERE EPILEPTIC, WITH AUTONOMIC DYSFUNCTION; MENTAL RETARDATION, SYNDROMAL, WITH INTERMITTENT HYPERVENTILATION. Identifiers: Orphanet 2896, MedGen C1970431, MONDO:0012589, OMIM 610954.

Submission:

Labcorp Genetics (formerly Invitae), Labcorp
Classification: Uncertain significance for Pitt-Hopkins syndrome. Last evaluated: 2024-10-30. Review status: criteria provided, single submitter. Criteria: Invitae Variant Classification Sherloc (09022015). Collection method: clinical testing. Allele origin: germline.
Comment: This sequence change replaces proline, which is neutral and non-polar, with alanine, which is neutral and non-polar, at codon 499 of the TCF4 protein (p.Pro499Ala). This variant is present in population databases (no rsID available, gnomAD 0.007%). This variant has not been reported in the literature in individuals affected with TCF4-related conditions. Invitae Evidence Modeling of protein sequence and biophysical properties (such as structural, functional, and spatial information, amino acid conservation, physicochemical variation, residue mobility, and thermodynamic stability) indicates that this missense variant is not expected to disrupt TCF4 protein function with a negative predictive value of 95%. In summary, the available evidence is currently insufficient to determine the role of this variant in disease. Therefore, it has been classified as a Variant of Uncertain Significance.